The following is an entry in ClinVar:

NM_005120.3(MED12):c.1193C>T (p.Pro398Leu)

Gene: MED12 (mediator complex subunit 12; plus strand). Cytogenetic location: Xq13.1.
Variant type: single nucleotide variant.
Coding change: c.1193C>T on transcript NM_005120.3 (MANE Select); coding-DNA position 1193, C replaced by T.
Protein change: p.Pro398Leu; replaces proline 398 with leucine.
Molecular consequence: missense variant.
Genome position (GRCh38, 1-based): chrX:71,122,291, C>T. VCF-style: chrX-71122291-C-T. GRCh37 (hg19) VCF-style: chrX-70342141-C-T.
Other names: short protein forms P398L.
Identifiers: ClinVar variation 3708625 (VCV003708625.2).

ClinVar aggregate classification (germline): Uncertain significance (1 of 4 stars; one submission).

Conditions:
FG syndrome (FGS). Identifiers: MedGen C0220769, MONDO:0002010.

Submission:

Labcorp Genetics (formerly Invitae), Labcorp
Classification: Uncertain significance for FG syndrome. Last evaluated: 2025-04-28. Review status: criteria provided, single submitter. Criteria: Invitae Variant Classification Sherloc (09022015). Collection method: clinical testing. Allele origin: germline.
Comment: This sequence change replaces proline, which is neutral and non-polar, with leucine, which is neutral and non-polar, at codon 398 of the MED12 protein (p.Pro398Leu). This variant is not present in population databases (gnomAD no frequency). This variant has not been reported in the literature in individuals affected with MED12-related conditions. ClinVar contains an entry for this variant (Variation ID: 3708625). Invitae Evidence Modeling of protein sequence and biophysical properties (such as structural, functional, and spatial information, amino acid conservation, physicochemical variation, residue mobility, and thermodynamic stability) has been performed for this missense variant. However, the output from this modeling did not meet the statistical confidence thresholds required to predict the impact of this variant on MED12 protein function. In summary, the available evidence is currently insufficient to determine the role of this variant in disease. Therefore, it has been classified as a Variant of Uncertain Significance.